The following is an entry in ClinVar:

ClinVar aggregate classification (germline): Likely pathogenic (1 of 4 stars; one submission).

Conditions:
Polycystic kidney disease 4 (PKD4). Also called: POLYCYSTIC KIDNEY AND HEPATIC DISEASE 1; POLYCYSTIC KIDNEY DISEASE, INFANTILE, TYPE I; POLYCYSTIC KIDNEY DISEASE 4 WITH OR WITHOUT POLYCYSTIC LIVER DISEASE; PKD3; Autosomal Recessive Polycystic Kidney Disease – PKHD1. Identifiers: MedGen C4540575, MONDO:0033004, OMIM 263200.

Submission:

Myriad Genetics, Inc.
Classification: Likely pathogenic for Polycystic kidney disease 4. Last evaluated: 2021-12-29. Review status: criteria provided, single submitter. Criteria: Myriad Women's Health Autosomal Recessive and X-Linked Classification Criteria (2021). Collection method: clinical testing. Allele origin: unknown.
Comment: NM_138694.3(PKHD1):c.7251_7252delCAinsT(V2419Ffs*49) is expected to be pathogenic in the context of autosomal recessive polycystic kidney disease, PKHD1-related. This variant is predicted to lead to an abnormal or absent protein product due to the creation of a premature termination codon in PKHD1, a gene where loss-of-function variants are known to be pathogenic. Please note: this variant was assessed in the context of healthy population screening.

NM_138694.4(PKHD1):c.7251_7252delinsT (p.Val2419fs)

Gene: PKHD1 (PKHD1 ciliary IPT domain containing fibrocystin/polyductin; minus strand). Cytogenetic location: 6p12.2.
Variant type: Indel.
Coding change: c.7251_7252delinsT on transcript NM_138694.4 (MANE Select); coding-DNA positions 7251 to 7252, CA replaced by T.
Protein change: p.Val2419fs; shifts the reading frame from valine 2419.
Molecular consequence: frameshift variant.
Genome position (GRCh38, 1-based): chr6:51,883,191-51,883,192, TG replaced by A on the plus strand (CA replaced by T on the coding strand, the reverse complement: PKHD1 is on the minus strand). VCF-style: chr6-51883191-TG-A. GRCh37 (hg19) VCF-style: chr6-51747989-TG-A.
Other names: c.7251_7252delinsT, p.Val2419fs (NM_170724.3); short protein forms V2419fs.
Identifiers: ClinVar variation 1726636 (VCV001726636.2), dbSNP rs2536181646, ClinGen allele CA2580075455.